The following is an entry in ClinVar:

NM_001201427.2(DAAM2):c.2327A>C (p.Lys776Thr)

Genes: DAAM2 (dishevelled associated activator of morphogenesis 2; plus strand), DAAM2-AS1 (DAAM2 antisense RNA 1; minus strand). Cytogenetic location: 6p21.2.
Variant type: single nucleotide variant.
Coding change: c.2327A>C on transcript NM_001201427.2 (MANE Select); coding-DNA position 2327, A replaced by C.
Protein change: p.Lys776Thr; replaces lysine 776 with threonine.
Molecular consequence: missense variant. On other transcripts: non-coding transcript variant (1).
Genome position (GRCh38, 1-based): chr6:39,891,708, A>C. VCF-style: chr6-39891708-A-C. GRCh37 (hg19) VCF-style: chr6-39859484-A-C.
Other names: c.2327A>C, p.Lys776Thr (NM_015345.4); short protein forms K776T.
Identifiers: ClinVar variation 3050220 (VCV003050220.2), dbSNP rs201229313, ClinGen allele CA3795253.

ClinVar aggregate classification (germline): Likely benign (0 of 4 stars; one submission).

Conditions:
DAAM2-related disorder. Also called: DAAM2-related condition.

Allele frequency attached by ClinVar (database versions not stated): 1000 Genomes Project 0.00040; 1000 Genomes Project 30x 0.00047; ESP Exome Variant Server 0.00108; TOPMed 0.00109; gnomAD 0.00114; ExAC 0.00127; gnomAD exomes 0.00143.
gnomAD v4.1: 2,215 of 1,603,698 alleles (0.14%); highest among the groups gnomAD compares: Non-Finnish European, 0.18%; no homozygotes.

Submission:

PreventionGenetics, part of Exact Sciences
Classification: Likely benign for DAAM2-related condition. Last evaluated: 2022-03-01. Review status: no assertion criteria provided. Collection method: clinical testing. Allele origin: germline.
Comment: This variant is classified as likely benign based on ACMG/AMP sequence variant interpretation guidelines (Richards et al. 2015 PMID: 25741868, with internal and published modifications).